The following is an entry in ClinVar:

ClinVar aggregate classification (germline): Pathogenic/Likely pathogenic. Review status: criteria provided, multiple submitters, no conflicts (2 of 4 stars). 4 submissions from 4 submitters: Pathogenic (2); Likely pathogenic (1). 1 of the submissions does not count toward it. Last evaluated 2024-01-22.

Conditions:
MFN2-related disorder. Also called: MFN2-related condition; MFN2-related disorders.
Charcot-Marie-Tooth disease. Also called: Charcot-Marie-Tooth Hereditary Neuropathy; Charcot-Marie-Tooth Neuropathy. Identifiers: Orphanet 166, MedGen C0007959, MONDO:0015626.
Charcot-Marie-Tooth disease type 2. Also called: Charcot-Marie-Tooth type 2. Identifiers: Orphanet 64746, MedGen C0270914, MONDO:0018993.

Submissions (4):

Athena Diagnostics
Classification: Pathogenic. Last evaluated: 2024-01-22. Review status: criteria provided, single submitter. Criteria: Athena Diagnostics Criteria. Collection method: clinical testing. Allele origin: unknown.
Comment: This variant has not been reported in large, multi-ethnic general populations. At least one other missense variant at this codon is considered to be pathogenic or likely pathogenic, suggesting this variant may also cause disease. Computational tools predict that this variant is damaging.

Labcorp Genetics (formerly Invitae), Labcorp
Classification: Pathogenic for Charcot-Marie-Tooth disease type 2. Last evaluated: 2023-12-21. Review status: criteria provided, single submitter. Criteria: Invitae Variant Classification Sherloc (09022015). Collection method: clinical testing. Allele origin: germline.
Comment: This sequence change replaces methionine, which is neutral and non-polar, with arginine, which is basic and polar, at codon 376 of the MFN2 protein (p.Met376Arg). This variant is not present in population databases (gnomAD no frequency). This missense change has been observed in individual(s) with autosomal dominant Charcot-Marie-Tooth disease type 2A (PMID: 24957169). In at least one individual the variant was observed to be de novo. ClinVar contains an entry for this variant (Variation ID: 637292). Advanced modeling of protein sequence and biophysical properties (such as structural, functional, and spatial information, amino acid conservation, physicochemical variation, residue mobility, and thermodynamic stability) performed at Invitae indicates that this missense variant is expected to disrupt MFN2 protein function with a positive predictive value of 95%. This variant disrupts the p.Met376 amino acid residue in MFN2. Other variant(s) that disrupt this residue have been determined to be pathogenic (PMID: 19889647, 22492563, 22926664, 24473995, 26801520). This suggests that this residue is clinically significant, and that variants that disrupt this residue are likely to be disease-causing. For these reasons, this variant has been classified as Pathogenic.

Blueprint Genetics
Classification: Likely pathogenic for MFN2-related disorders. Last evaluated: 2023-08-09. Review status: criteria provided, single submitter. Criteria: ACMG Guidelines, 2015. Collection method: clinical testing. Allele origin: germline. Affected: yes. Observed: 1 variant allele.

Inherited Neuropathy Consortium
Classification: Uncertain significance for Charcot-Marie-Tooth disease. Review status: no assertion criteria provided. Collection method: literature only. Allele origin: germline. Affected: yes. Not counted in ClinVar's aggregate classification.

Literature cited by the submitters: PubMed 24957169 (cited by 3 submitters); PubMed 30373780 (cited by Athena Diagnostics); PubMed 19889647 (cited by Labcorp Genetics (formerly Invitae), Labcorp); PubMed 22492563 (cited by Labcorp Genetics (formerly Invitae), Labcorp); PubMed 22926664 (cited by Labcorp Genetics (formerly Invitae), Labcorp); PubMed 24473995 (cited by Labcorp Genetics (formerly Invitae), Labcorp); PubMed 26801520 (cited by Labcorp Genetics (formerly Invitae), Labcorp).

NM_014874.4(MFN2):c.1127T>G (p.Met376Arg)

Gene: MFN2 (mitofusin 2; plus strand). Cytogenetic location: 1p36.22.
Variant type: single nucleotide variant.
Coding change: c.1127T>G on transcript NM_014874.4 (MANE Select); coding-DNA position 1127, T replaced by G.
Protein change: p.Met376Arg; replaces methionine 376 with arginine.
Molecular consequence: missense variant.
Genome position (GRCh38, 1-based): chr1:12,002,070, T>G. VCF-style: chr1-12002070-T-G. GRCh37 (hg19) VCF-style: chr1-12062127-T-G.
Other names: c.1127T>G, p.Met376Arg (NM_001127660.2); short protein forms M376R.
Identifiers: ClinVar variation 637292 (VCV000637292.10), dbSNP rs1569854342, ClinGen allele CA338443181.